The following is an entry in ClinVar:

NM_152296.5(ATP1A3):c.266G>C (p.Gly89Ala)

Gene: ATP1A3 (ATPase Na+/K+ transporting subunit alpha 3; minus strand). Cytogenetic location: 19q13.2.
Variant type: single nucleotide variant.
Coding change: c.266G>C on transcript NM_152296.5 (MANE Select); coding-DNA position 266, G replaced by C.
Protein change: p.Gly89Ala; replaces glycine 89 with alanine.
Molecular consequence: missense variant.
Genome position (GRCh38, 1-based): chr19:41,988,027, C>G on the plus strand (G>C on the coding strand, the complement: ATP1A3 is on the minus strand). VCF-style: chr19-41988027-C-G. GRCh37 (hg19) VCF-style: chr19-42492179-C-G.
Other names: c.266G>C (NM_152296.4); c.299G>C, p.Gly100Ala (NM_001256213.2); c.305G>C, p.Gly102Ala (NM_001256214.2); short protein forms G102A, G100A, G89A.
Identifiers: ClinVar variation 807379 (VCV000807379.8), dbSNP rs1599725621, ClinGen allele CA406056451.
Genomic context (GRCh38, chr19:41,988,027, plus strand): 5'-GCCTGGATACCGTAGGCCAGGAAGCAGAGGATAGCCCCGATCCACAGCAGGATGGAGAAG[C>G]CCCCGAAGAGCTGCCGGCAAAACTTGACCCACTCTGGGGTGGTAGGCGGTGGCGTGAGTG-3'
Protein context (NP_689509.1, residues 79-99): WVKFCRQLFG[Gly89Ala]FSILLWIGAI

ClinVar aggregate classification (germline): Pathogenic/Likely pathogenic. Review status: criteria provided, multiple submitters, no conflicts (2 of 4 stars). 4 submissions from 4 submitters: Pathogenic (2); Likely pathogenic (2). Last evaluated 2023-04-05.

Conditions:
Dystonia 12 (DYT12). Also called: DYT-ATP1A3; Rapid-Onset Dystonia-Parkinsonism (RDP). Identifiers: Orphanet 71517, MedGen C1868681, MONDO:0007496, OMIM 128235.
Hereditary ataxia. Also called: Hereditary Ataxias. Identifiers: Orphanet 183518, MedGen C0004138, MONDO:0100309, MONDO:0000557.

Submissions (4):

GeneDx
Classification: Pathogenic. Last evaluated: 2023-04-05. Review status: criteria provided, single submitter. Criteria: GeneDx Variant Classification Process June 2021. Collection method: clinical testing. Allele origin: germline. Affected: yes.
Comment: Not observed at significant frequency in large population cohorts (gnomAD); In silico analysis supports that this missense variant has a deleterious effect on protein structure/function; This variant is associated with the following publications: (PMID: 33619735, 36192182, 33098801, 35872528)

Labcorp Genetics (formerly Invitae), Labcorp
Classification: Pathogenic for Dystonia 12. Last evaluated: 2022-10-12. Review status: criteria provided, single submitter. Criteria: Invitae Variant Classification Sherloc (09022015). Collection method: clinical testing. Allele origin: germline.
Comment: For these reasons, this variant has been classified as Pathogenic. Advanced modeling of protein sequence and biophysical properties (such as structural, functional, and spatial information, amino acid conservation, physicochemical variation, residue mobility, and thermodynamic stability) performed at Invitae indicates that this missense variant is expected to disrupt ATP1A3 protein function. ClinVar contains an entry for this variant (Variation ID: 807379). This missense change has been observed in individual(s) with dystonia (PMID: 33098801). In at least one individual the variant was observed to be de novo. This variant is not present in population databases (gnomAD no frequency). This sequence change replaces glycine, which is neutral and non-polar, with alanine, which is neutral and non-polar, at codon 89 of the ATP1A3 protein (p.Gly89Ala).

Cambridge Genomics Laboratory, East Genomic Laboratory Hub, NHS Genomic Medicine Service
Classification: Likely pathogenic for Hereditary ataxia. Last evaluated: 2019-09-18. Review status: criteria provided, single submitter. Criteria: ACGS Best Practice Guidelines for Variant Classification in Rare Disease 2020. Collection method: clinical testing. Allele origin: germline. Affected: yes. Observed: 1 variant allele.

Institute of Human Genetics Munich, TUM University Hospital
Classification: Likely pathogenic for Dystonia 12. Last evaluated: 2019-06-13. Review status: criteria provided, single submitter. Criteria: Classification criteria August 2017. Collection method: clinical testing. Allele origin: de novo. Inheritance: Autosomal dominant inheritance. Affected: yes. Observed: 1 heterozygote.

Literature cited by the submitters: PubMed 33098801 (cited by Labcorp Genetics (formerly Invitae), Labcorp).